The following is an entry in ClinVar:

ClinVar aggregate classification (germline): Pathogenic/Likely pathogenic. Review status: criteria provided, multiple submitters, no conflicts (2 of 4 stars). 5 submissions from 5 submitters: Pathogenic (4); Likely pathogenic (1). Last evaluated 2025-11-17.

Conditions:
Cardiac arrhythmia. Also called: Cardiac rhythm disease; Arrhythmia. Identifiers: MedGen C0003811, MONDO:0007263, HP:0011675.
Arrhythmogenic ventricular cardiomyopathy.
Arrhythmogenic right ventricular cardiomyopathy (ARVD). Also called: Arrhythmogenic right ventricular dysplasia; Arrhythmogenic cardiomyopathy; Arrhythmogenic Right Ventricular Cardiomyopathy (ARVC); Cardiomyopathy, ARVC. Identifiers: Orphanet 247, MedGen C0349788, MeSH D019571, MONDO:0016587. Disease mechanism: loss of function. Inheritance: Various modes of inheritance.
Arrhythmogenic right ventricular dysplasia 9 (ARVD9). Also called: ARRHYTHMOGENIC RIGHT VENTRICULAR DYSPLASIA, FAMILIAL, 9; Arrhythmogenic Right Ventricular Dysplasia/Cardiomyopathy 9. Identifiers: MedGen C1836906, MONDO:0012180, OMIM 609040.

Submissions (5):

Labcorp Genetics (formerly Invitae), Labcorp
Classification: Pathogenic for Arrhythmogenic right ventricular dysplasia 9. Last evaluated: 2025-11-17. Review status: criteria provided, single submitter. Criteria: Invitae Variant Classification Sherloc (09022015). Collection method: clinical testing. Allele origin: germline.
Comment: This sequence change creates a premature translational stop signal (p.Gly5Alafs*34) in the PKP2 gene. It is expected to result in an absent or disrupted protein product. Loss-of-function variants in PKP2 are known to be pathogenic (PMID: 15489853, 17041889, 23911551). This variant is not present in population databases (gnomAD no frequency). This premature translational stop signal has been observed in individual(s) with arrhythmogenic right ventricular cardiomyopathy (PMID: 25820315, 31386562). ClinVar contains an entry for this variant (Variation ID: 45027). For these reasons, this variant has been classified as Pathogenic.

GeneDx
Classification: Pathogenic. Last evaluated: 2025-10-02. Review status: criteria provided, single submitter. Criteria: GeneDx Variant Classification Process June 2021. Collection method: clinical testing. Allele origin: germline. Affected: yes.
Comment: Frameshift variant predicted to result in protein truncation or nonsense mediated decay in a gene for which loss-of-function is a known mechanism of disease; Not observed at significant frequency in large population cohorts (gnomAD); This variant is associated with the following publications: (PMID: 28588093, 28506445, 34120153, 29759408, 30765282, 31386562, 31402444, 35536239, 25820315)

Women's Health and Genetics/Laboratory Corporation of America, LabCorp
Classification: Pathogenic for Arrhythmia. Last evaluated: 2018-10-05. Review status: criteria provided, single submitter. Criteria: LabCorp Variant Classification Summary - May 2015. Collection method: clinical testing. Allele origin: germline.
Comment: Variant summary: PKP2 c.14delG (p.Gly5AlafsX34) results in a premature termination codon, predicted to cause a truncation of the encoded protein or absence of the protein due to nonsense mediated decay, which are commonly known mechanisms for disease. Truncations downstream of this position have been classified as pathogenic by our laboratory (e.g., p.Arg79X and p.Gln133X). The variant was absent in 30714 control chromosomes. c.14delG has been reported in the literature in one individual affected with Arrhythmogenic right ventricular dysplasia/cardiomyopathy (ARVD/C). To our knowledge, no experimental evidence demonstrating an impact on protein function has been reported. One clinical diagnostic laboratory has submitted clinical-significance assessments for this variant to ClinVar after 2014 without evidence for independent evaluation and classified the variant as pathogenic. Another clinical diagnostic laboratory has submitted assessment for this variant to ClinVar before 2014 without evidence for independent evaluation and classified the variant as likely pathogenic. Therefore, at-least 3 index cases with this variant have been identified. Based on the evidence outlined above, the variant was classified as Pathogenic.

Royal Brompton Clinical Genetics And Genomics Laboratory, NHS South East Genomic Laboratory Hub
Classification: Pathogenic for Arrhythmogenic ventricular cardiomyopathy. Last evaluated: 2017-09-12. Review status: criteria provided, single submitter. Criteria: RBHT-CGGL ClinVar Assertion Criteria. Collection method: clinical testing. Allele origin: germline. Affected: yes. Observed: 4 variant alleles.
Comment: This variant causes a frameshift, and is predicted to lead to the introduction of a premature termination codon, generating a truncated or absent protein. Loss of function variants in PKP2 are known to be pathogenic. This variant has not been detected in approximately 60,000 individuals in control populations (ExAC database), and has been reported in other individuals with ARVC (ClinVar variation ID 45027; Groeneweg et al. Circ Cardiovasc Genet. 2015;8:437-46). It has been shown to segregate with disease in mutiple family members in our lab.

Laboratory for Molecular Medicine, Mass General Brigham Personalized Medicine
Classification: Likely pathogenic for Arrhythmogenic right ventricular cardiomyopathy. Last evaluated: 2012-11-20. Review status: criteria provided, single submitter. Criteria: LMM Criteria. Collection method: clinical testing. Allele origin: germline. Observed: 1 variant allele.
Comment: The Gly5Alafs variant in PKP2 has not been reported in the literature nor previo usly identified by our laboratory. This frameshift variant is predicted to alter the protein?s amino acid sequence beginning at position 5 and lead to a prematu re termination codon 34 amino acids downstream. This alteration is then predicte d to lead to a truncated or absent protein. Heterozygous loss-of-function varian ts in the PKP2 gene are common in patients with ARVC. In summary, this variant i s likely to be pathogenic, though additional studies are required to fully estab lish its clinical significance.

Literature cited by the submitters: PubMed 15489853 (cited by Labcorp Genetics (formerly Invitae), Labcorp); PubMed 17041889 (cited by Labcorp Genetics (formerly Invitae), Labcorp); PubMed 23911551 (cited by Labcorp Genetics (formerly Invitae), Labcorp); PubMed 25820315 (cited by Labcorp Genetics (formerly Invitae), Labcorp and Women's Health and Genetics/Laboratory Corporation of America, LabCorp); PubMed 31386562 (cited by Labcorp Genetics (formerly Invitae), Labcorp).

NM_001005242.3(PKP2):c.14del (p.Gly5fs)

Gene: PKP2 (plakophilin 2; minus strand). Cytogenetic location: 12p11.21.
Variant type: Deletion.
Coding change: c.14del on transcript NM_001005242.3 (MANE Select); coding-DNA position 14, one base deleted (G; older notation c.14delG).
Protein change: p.Gly5fs; shifts the reading frame from glycine 5.
Molecular consequence: frameshift variant.
Genome position (GRCh38, 1-based): chr12:32,896,718, C deleted on the plus strand (G on the coding strand, the reverse complement: PKP2 is on the minus strand); the first of 2 consecutive C bases (chr12:32,896,718-32,896,719); deleting either gives the same sequence. VCF-style (leftmost placement, unchanged base first): chr12-32896717-GC-G. GRCh37 (hg19) VCF-style: chr12-33049651-GC-G.
Other names: c.14del, p.Gly5fs (NM_004572.4); c.14delG (NM_004572.3); short protein forms G5fs.
Identifiers: ClinVar variation 45027 (VCV000045027.14), dbSNP rs397516996, ClinGen allele CA011095.
Genomic context (GRCh38, chr12:32,896,717, plus strand): 5'-CAGTTGTCCCAGGATCTGCTGGCCCAGGACGGTCCGGATGTAGCCGTACTCAGCTGGGGC[GC>G]CGGGGGCTGCCATGGGGCCGGTGGGGGCGACCGAGCTGCTCGCCTGCCTCTGGACTCGCG-3'